The following is an entry in ClinVar:

NM_001114753.3(ENG):c.-158C>T

Gene: ENG (endoglin; minus strand). Cytogenetic location: 9q34.11.
Variant type: single nucleotide variant.
Coding change: c.-158C>T on transcript NM_001114753.3 (MANE Select); 158 bases upstream of the start codon, C replaced by T.
Molecular consequence: 5 prime UTR variant.
Genome position (GRCh38, 1-based): chr9:127,854,513, G>A on the plus strand (C>T on the coding strand, the complement: ENG is on the minus strand). VCF-style: chr9-127854513-G-A. GRCh37 (hg19) VCF-style: chr9-130616792-G-A.
Other names: c.-158C>T (NM_000118.4, NM_001406715.1).
Identifiers: ClinVar variation 365101 (VCV000365101.11), dbSNP rs41470844, ClinGen allele CA10632672.

ClinVar aggregate classification (germline): Benign/Likely benign. Review status: criteria provided, multiple submitters, no conflicts (2 of 4 stars). 2 submissions from 2 submitters: Benign (1); Likely benign (1). Last evaluated 2025-12-09.

Conditions:
Telangiectasia, hereditary hemorrhagic, type 1 (HHT1). Also called: Osler Weber Rendu syndrome type 1; ENG-Related Hereditary Hemorrhagic Telangiectasia. Identifiers: Orphanet 774, MedGen C4551861, MONDO:0008535, OMIM 187300. Disease mechanism: loss of function.
Hereditary hemorrhagic telangiectasia (HHT). Also called: ORW DISEASE; Osler Weber Rendu syndrome; OSLER-RENDU-WEBER DISEASE; Osler hemorrhagic telangiectasia syndrome. Identifiers: Orphanet 774, MedGen C0039445, MONDO:0019180. Disease mechanism: loss of function.

Allele frequency attached by ClinVar (database versions not stated): 1000 Genomes Project 0.00140; gnomAD 0.00072 and 0.00075; TOPMed 0.00085; 1000 Genomes Project 30x 0.00156.
gnomAD v4.1: 149 of 709,306 alleles (0.021%); highest among the groups gnomAD compares: African/African-American, 0.25%; 2 homozygotes.

Submissions (2):

Labcorp Genetics (formerly Invitae), Labcorp
Classification: Benign for Hereditary hemorrhagic telangiectasia. Last evaluated: 2025-12-09. Review status: criteria provided, single submitter. Criteria: Invitae Variant Classification Sherloc (09022015). Collection method: clinical testing. Allele origin: germline.

Illumina Laboratory Services, Illumina
Classification: Likely benign for Telangiectasia, hereditary hemorrhagic, type 1. Last evaluated: 2018-01-13. Review status: criteria provided, single submitter. Criteria: ICSL Variant Classification Criteria 13 December 2019. Collection method: clinical testing. Allele origin: germline.
Comment: This variant was observed in the ICSL laboratory as part of a predisposition screen in an ostensibly healthy population. It had not been previously curated by ICSL or reported in the Human Gene Mutation Database (HGMD: prior to June 1st, 2018), and was therefore a candidate for classification through an automated scoring system. Utilizing variant allele frequency, disease prevalence and penetrance estimates, and inheritance mode, an automated score was calculated to assess if this variant is too frequent to cause the disease. Based on the score and internal cut-off values, a variant classified as likely benign is not then subjected to further curation. The score for this variant resulted in a classification of likely benign for this disease.